The following is an entry in ClinVar:

ClinVar aggregate classification (germline): Uncertain significance. Review status: criteria provided, multiple submitters, no conflicts (2 of 4 stars). 3 submissions from 3 submitters: Uncertain significance (3). Last evaluated 2026-04-26.

Conditions:
Tuberous sclerosis syndrome (TSC). Also called: Tuberous sclerosis; Tuberous Sclerosis Complex. Identifiers: Orphanet 805, MedGen C0041341, MONDO:0001734.
Hereditary cancer-predisposing syndrome. Also called: Tumor predisposition; Neoplastic Syndromes, Hereditary; Hereditary neoplastic syndrome; Hereditary Cancer Syndrome. Identifiers: Orphanet 140162, MedGen C0027672, MeSH D009386, MONDO:0015356.
Tuberous sclerosis 1 (TSC1). Identifiers: Orphanet 805, MedGen C1854465, MONDO:0008612, OMIM 191100.

Allele frequency attached by ClinVar (database versions not stated): gnomAD exomes below 0.00001; TOPMed 0.00002.
gnomAD v4.1: 2 of 1,613,998 alleles (0.00012%); highest among the groups gnomAD compares: Non-Finnish European, 0.00017%; no homozygotes.

Submissions (3):

Ambry Genetics
Classification: Uncertain significance for Hereditary cancer-predisposing syndrome. Last evaluated: 2026-04-26. Review status: criteria provided, single submitter. Criteria: Ambry Variant Classification Scheme 2023. Collection method: clinical testing. Allele origin: germline.
Comment: The p.S829N variant (also known as c.2486G>A), located in coding exon 17 of the TSC1 gene, results from a G to A substitution at nucleotide position 2486. The serine at codon 829 is replaced by asparagine, an amino acid with highly similar properties. This amino acid position is conserved. In addition, this alteration is predicted to be tolerated by in silico analysis. Based on the available evidence, the clinical significance of this variant remains unclear.

Color Diagnostics, LLC DBA Color Health
Classification: Uncertain significance for Tuberous sclerosis syndrome. Last evaluated: 2025-07-07. Review status: criteria provided, single submitter. Criteria: ACMG Guidelines, 2015. Collection method: clinical testing. Allele origin: germline.
Comment: This missense variant replaces serine with asparagine at codon 829 of the TSC1 protein. Computational prediction suggests that this variant may not impact protein structure and function. To our knowledge, functional studies have not been reported for this variant. This variant has not been reported in individuals affected with TSC1-related disorders in the literature. This variant has not been identified in the general population by the Genome Aggregation Database (gnomAD). The available evidence is insufficient to determine the role of this variant in disease conclusively. Therefore, this variant is classified as a Variant of Uncertain Significance.

Labcorp Genetics (formerly Invitae), Labcorp
Classification: Uncertain significance for Tuberous sclerosis 1. Last evaluated: 2021-08-24. Review status: criteria provided, single submitter. Criteria: Invitae Variant Classification Sherloc (09022015). Collection method: clinical testing. Allele origin: germline.
Comment: This sequence change replaces serine with asparagine at codon 829 of the TSC1 protein (p.Ser829Asn). The serine residue is moderately conserved and there is a small physicochemical difference between serine and asparagine. This variant is not present in population databases (ExAC no frequency). This variant has not been reported in the literature in individuals affected with TSC1-related conditions. ClinVar contains an entry for this variant (Variation ID: 860566). Algorithms developed to predict the effect of missense changes on protein structure and function (SIFT, PolyPhen-2, Align-GVGD) all suggest that this variant is likely to be tolerated. In summary, the available evidence is currently insufficient to determine the role of this variant in disease. Therefore, it has been classified as a Variant of Uncertain Significance.

NM_000368.5(TSC1):c.2486G>A (p.Ser829Asn)

Gene: TSC1 (TSC complex subunit 1; minus strand). Cytogenetic location: 9q34.13.
Variant type: single nucleotide variant.
Coding change: c.2486G>A on transcript NM_000368.5 (MANE Select); coding-DNA position 2486, G replaced by A.
Protein change: p.Ser829Asn; replaces serine 829 with asparagine.
Molecular consequence: missense variant.
Genome position (GRCh38, 1-based): chr9:132,901,605, C>T on the plus strand (G>A on the coding strand, the complement: TSC1 is on the minus strand). VCF-style: chr9-132901605-C-T. GRCh37 (hg19) VCF-style: chr9-135776992-C-T.
Other names: c.2483G>A, p.Ser828Asn (NM_001162426.2); c.2333G>A, p.Ser778Asn (NM_001162427.2); c.2123G>A, p.Ser708Asn (NM_001362177.2); short protein forms S708N, S828N, S778N, S829N.
Identifiers: ClinVar variation 860566 (VCV000860566.9), dbSNP rs1202468122, ClinGen allele CA375358275.